The following is an entry in ClinVar:

NM_004415.4(DSP):c.3226del (p.Ala1077fs)

Gene: DSP (desmoplakin; plus strand). Cytogenetic location: 6p24.3.
Variant type: Deletion.
Coding change: c.3226del on transcript NM_004415.4 (MANE Select); coding-DNA position 3226, one base deleted (C; older notation c.3226delC).
Protein change: p.Ala1077fs; shifts the reading frame from alanine 1077.
Molecular consequence: frameshift variant.
Genome position (GRCh38, 1-based): chr6:7,579,416, C deleted. VCF-style (leftmost placement, unchanged base first): chr6-7579415-GC-G. GRCh37 (hg19) VCF-style: chr6-7579648-GC-G.
Other names: c.3226del, p.Ala1077fs (NM_001008844.3, NM_001319034.2); short protein forms A1077fs.
Identifiers: ClinVar variation 3756297 (VCV003756297.2).

ClinVar aggregate classification (germline): Pathogenic (1 of 4 stars; one submission).

Conditions:
Arrhythmogenic right ventricular dysplasia 8 (ARVD8). Also called: Arrhythmogenic Right Ventricular Dysplasia/Cardiomyopathy 8; ARRHYTHMOGENIC RIGHT VENTRICULAR DYSPLASIA, FAMILIAL, 8; ARRHYTHMOGENIC RIGHT VENTRICULAR CARDIOMYOPATHY 8. Identifiers: MedGen C1843896, MONDO:0011831, OMIM 607450.
Arrhythmogenic cardiomyopathy with wooly hair and keratoderma. Also called: PALMOPLANTAR KERATODERMA WITH LEFT VENTRICULAR CARDIOMYOPATHY AND WOOLLY HAIR; Carvajal syndrome; Dilated cardiomyopathy with woolly hair and keratoderma; Arrhythmogenic cardiomyopathy with woolly hair and keratoderma. Identifiers: Orphanet 65282, MedGen C1854063, MONDO:0011581, OMIM 605676.

Submission:

Labcorp Genetics (formerly Invitae), Labcorp
Classification: Pathogenic for Arrhythmogenic cardiomyopathy with wooly hair and keratoderma; Arrhythmogenic right ventricular dysplasia 8. Last evaluated: 2024-05-11. Review status: criteria provided, single submitter. Criteria: Invitae Variant Classification Sherloc (09022015). Collection method: clinical testing. Allele origin: germline.
Comment: This sequence change creates a premature translational stop signal (p.Ala1077Argfs*6) in the DSP gene. It is expected to result in an absent or disrupted protein product. Loss-of-function variants in DSP are known to be pathogenic (PMID: 20716751, 24503780, 25227139). This variant is not present in population databases (gnomAD no frequency). This variant has not been reported in the literature in individuals affected with DSP-related conditions. For these reasons, this variant has been classified as Pathogenic.

Literature cited by the submitters: PubMed 20716751; PubMed 24503780; PubMed 25227139.